The following is an entry in ClinVar:

NM_145199.3(LIPT1):c.808G>T (p.Glu270Ter)

Genes: LIPT1 (lipoyltransferase 1; plus strand), MITD1 (microtubule interacting and trafficking domain containing 1; minus strand). Cytogenetic location: 2q11.2.
Variant type: single nucleotide variant.
Coding change: c.808G>T on transcript NM_145199.3 (MANE Select); coding-DNA position 808, G replaced by T.
Protein change: p.Glu270Ter; replaces glutamic acid 270 with a stop codon.
Molecular consequence: nonsense. On other transcripts: non-coding transcript variant (2).
Genome position (GRCh38, 1-based): chr2:99,162,765, G>T. VCF-style: chr2-99162765-G-T. GRCh37 (hg19) VCF-style: chr2-99779228-G-T.
Other names: c.808G>T, p.Glu270Ter (NM_001204830.2, NM_015929.4, NM_145197.3 and 1 more transcripts); short protein forms E270*.
Identifiers: ClinVar variation 1470655 (VCV001470655.6), dbSNP rs757567822, ClinGen allele CA347855025.

ClinVar aggregate classification (germline): Uncertain significance (1 of 4 stars; one submission).

Submission:

Labcorp Genetics (formerly Invitae), Labcorp
Classification: Uncertain significance. Last evaluated: 2021-10-25. Review status: criteria provided, single submitter. Criteria: Invitae Variant Classification Sherloc (09022015). Collection method: clinical testing. Allele origin: germline.
Comment: In summary, the available evidence is currently insufficient to determine the role of this variant in disease. Therefore, it has been classified as a Variant of Uncertain Significance. This variant has not been reported in the literature in individuals affected with LIPT1-related conditions. This variant is not present in population databases (gnomAD no frequency). This sequence change creates a premature translational stop signal (p.Glu270*) in the LIPT1 gene. While this is not anticipated to result in nonsense mediated decay, it is expected to disrupt the last 104 amino acid(s) of the LIPT1 protein.